The following is an entry in ClinVar:

ClinVar aggregate classification (germline): Uncertain significance. Review status: criteria provided, multiple submitters, no conflicts (2 of 4 stars). 2 submissions from 2 submitters: Uncertain significance (2). Last evaluated 2024-02-24.

Allele frequency attached by ClinVar (database versions not stated): gnomAD exomes below 0.00001; TOPMed below 0.00001.

Submissions (2):

Labcorp Genetics (formerly Invitae), Labcorp
Classification: Uncertain significance. Last evaluated: 2024-02-24. Review status: criteria provided, single submitter. Criteria: Invitae Variant Classification Sherloc (09022015). Collection method: clinical testing. Allele origin: germline.
Comment: This sequence change replaces glycine, which is neutral and non-polar, with glutamic acid, which is acidic and polar, at codon 62 of the CTDP1 protein (p.Gly62Glu). This variant is not present in population databases (gnomAD no frequency). This variant has not been reported in the literature in individuals affected with CTDP1-related conditions. ClinVar contains an entry for this variant (Variation ID: 2111676). Algorithms developed to predict the effect of missense changes on protein structure and function output the following: SIFT: "Not Available"; PolyPhen-2: "Possibly Damaging"; Align-GVGD: "Not Available". The glutamic acid amino acid residue is found in multiple mammalian species, which suggests that this missense change does not adversely affect protein function. In summary, the available evidence is currently insufficient to determine the role of this variant in disease. Therefore, it has been classified as a Variant of Uncertain Significance.

Blueprint Genetics
Classification: Uncertain significance. Last evaluated: 2018-03-20. Review status: criteria provided, single submitter. Criteria: ACMG Guidelines, 2015. Collection method: clinical testing. Allele origin: germline.

NM_004715.5(CTDP1):c.185G>A (p.Gly62Glu)

Gene: CTDP1 (CTD phosphatase 1; plus strand). Cytogenetic location: 18q23.
Variant type: single nucleotide variant.
Coding change: c.185G>A on transcript NM_004715.5 (MANE Select); coding-DNA position 185, G replaced by A.
Protein change: p.Gly62Glu; replaces glycine 62 with glutamic acid.
Molecular consequence: missense variant.
Genome position (GRCh38, 1-based): chr18:79,680,132, G>A. VCF-style: chr18-79680132-G-A. GRCh37 (hg19) VCF-style: chr18-77440132-G-A.
Other names: c.185G>A, p.Gly62Glu (NM_001318511.2, NM_048368.4); short protein forms G62E.
Identifiers: ClinVar variation 2111676 (VCV002111676.5), dbSNP rs1172226219, ClinGen allele CA402825129.